The following is an entry in ClinVar:

NM_014140.4(SMARCAL1):c.179A>C (p.Glu60Ala)

Gene: SMARCAL1 (SNF2 related chromatin remodeling annealing helicase 1; plus strand). Cytogenetic location: 2q35.
Variant type: single nucleotide variant.
Coding change: c.179A>C on transcript NM_014140.4 (MANE Select); coding-DNA position 179, A replaced by C.
Protein change: p.Glu60Ala; replaces glutamic acid 60 with alanine.
Molecular consequence: missense variant.
Genome position (GRCh38, 1-based): chr2:216,414,883, A>C. VCF-style: chr2-216414883-A-C. GRCh37 (hg19) VCF-style: chr2-217279606-A-C.
Other names: c.179A>C, p.Glu60Ala (NM_001127207.2); short protein forms E60A.
Identifiers: ClinVar variation 568006 (VCV000568006.8), dbSNP rs766086132, ClinGen allele CA350496712.

ClinVar aggregate classification (germline): Uncertain significance (1 of 4 stars; one submission).

Conditions:
Schimke immuno-osseous dysplasia (SIOD). Also called: Schimke Immunoosseous Dysplasia. Identifiers: Orphanet 1830, MedGen C0877024, MONDO:0009458, OMIM 242900.

Allele frequency attached by ClinVar (database versions not stated): TOPMed below 0.00001.
gnomAD v4.1: 2 of 1,614,084 alleles (0.00012%); highest among the groups gnomAD compares: Non-Finnish European, 0.00017%; no homozygotes.

Submission:

Labcorp Genetics (formerly Invitae), Labcorp
Classification: Uncertain significance for Schimke immuno-osseous dysplasia. Last evaluated: 2018-06-22. Review status: criteria provided, single submitter. Criteria: Invitae Variant Classification Sherloc (09022015). Collection method: clinical testing. Allele origin: germline.
Comment: This sequence change replaces glutamic acid with alanine at codon 60 of the SMARCAL1 protein (p.Glu60Ala). The glutamic acid residue is weakly conserved and there is a moderate physicochemical difference between glutamic acid and alanine. This variant is not present in population databases (ExAC no frequency). This variant has not been reported in the literature in individuals with SMARCAL1-related disease. Algorithms developed to predict the effect of missense changes on protein structure and function (SIFT, PolyPhen-2, Align-GVGD) all suggest that this variant is likely to be tolerated, but these predictions have not been confirmed by published functional studies and their clinical significance is uncertain. In summary, the available evidence is currently insufficient to determine the role of this variant in disease. Therefore, it has been classified as a Variant of Uncertain Significance.